The following is an entry in ClinVar:

ClinVar aggregate classification (germline): Likely pathogenic (1 of 4 stars; one submission).

Conditions:
Hereditary breast ovarian cancer syndrome. Also called: Hereditary breast and ovarian cancer syndrome; BRCA1- and BRCA2-Associated Hereditary Breast and Ovarian Cancer; Hereditary breast and ovarian cancer; Hereditary breast and ovarian cancer syndrome (HBOC); Breast and ovarian cancer; Hereditary breast and/or ovarian cancer syndrome. Identifiers: Orphanet 145, MedGen C0677776, MeSH D061325, MONDO:0003582. Disease mechanism: loss of function.

Submission:

Genetics and Personalized Medicine Clinic, Tartu University Hospital
Classification: Likely pathogenic for Hereditary breast ovarian cancer syndrome. Last evaluated: 2016-09-14. Review status: criteria provided, single submitter. Criteria: ACMG Guidelines, 2015. Collection method: clinical testing. Allele origin: germline. Affected: yes. Observed: 1 variant allele.
Comment: This deletion likely disrupts the BRCA1 gene, resulting in loss of normal protein function. Loss-of-function variants in BRCA1 are a known cause of hereditary breast and ovarian cancer, and large exon-spanning deletions are typically classified as pathogenic under ACMG guidelines.

NC_000017.10:g.(?_41267742)_(41277381_?)del

Gene: BRCA1 (BRCA1 DNA repair associated; minus strand). Cytogenetic location: 17q21.31.
Variant type: Deletion.
Identifiers: ClinVar variation 4526422 (VCV004526422.1).